The following is an entry in ClinVar:

ClinVar aggregate classification (germline): Uncertain significance. Review status: criteria provided, multiple submitters, no conflicts (2 of 4 stars). 4 submissions from 4 submitters: Uncertain significance (4). Last evaluated 2026-05-28.

Conditions:
TRIM37-related disorder. Also called: TRIM37-related condition.
Inborn genetic diseases. Identifiers: MedGen C0950123, MeSH D030342.
Mulibrey nanism syndrome. Also called: MUSCLE-LIVER-BRAIN-EYE NANISM; PERHEENTUPA SYNDROME; PERICARDIAL CONSTRICTION AND GROWTH FAILURE. Identifiers: Orphanet 2576, MedGen C0524582, MONDO:0009664, OMIM 253250.

Allele frequency attached by ClinVar (database versions not stated): TOPMed 0.00003; gnomAD 0.00004; ExAC 0.00005; gnomAD exomes 0.00006; 1000 Genomes Project 30x 0.00016; 1000 Genomes Project 0.00020.
gnomAD v4.1: 99 of 1,614,188 alleles (0.0061%); highest among the groups gnomAD compares: Middle Eastern, 0.12%; no homozygotes.

Submissions (4):

PreventionGenetics, part of Exact Sciences
Classification: Uncertain significance for TRIM37-related condition. Last evaluated: 2026-05-28. Review status: criteria provided, single submitter. Criteria: ACMG Guidelines, 2015. Collection method: clinical testing. Allele origin: germline.
Comment: The TRIM37 c.2047G>A variant is predicted to result in the amino acid substitution p.Ala683Thr. To our knowledge, this variant has not been reported in the literature. This variant is reported in 0.0098% of alleles in individuals of South Asian descent in gnomAD. At this time, the clinical significance of this variant is uncertain due to the absence of conclusive functional and genetic evidence.

St. Jude Molecular Pathology, St. Jude Children's Research Hospital
Classification: Uncertain significance for Mulibrey nanism syndrome. Last evaluated: 2026-02-11. Review status: criteria provided, single submitter. Criteria: St. Jude Assertion Criteria 2020. Collection method: clinical testing. Allele origin: germline.
Comment: The TRIM37 c.2047G>A (p.Ala683Thr) missense change has a maximum subpopulation frequency of 0.0098% in gnomAD v2.1.1. The in silico tool REVEL predicts a benign effect on protein function, but to our knowledge this prediction has not been confirmed by functional studies. To our knowledge, this variant has not been reported in individuals with Mulibrey nanism. In summary, the evidence currently available is insufficient to determine the clinical significance of this variant. It has therefore been classified as of uncertain significance.

Ambry Genetics
Classification: Uncertain significance for Inborn genetic diseases. Last evaluated: 2024-11-13. Review status: criteria provided, single submitter. Criteria: Ambry Variant Classification Scheme 2023. Collection method: clinical testing. Allele origin: germline.

Labcorp Genetics (formerly Invitae), Labcorp
Classification: Uncertain significance. Last evaluated: 2022-05-25. Review status: criteria provided, single submitter. Criteria: Invitae Variant Classification Sherloc (09022015). Collection method: clinical testing. Allele origin: germline.
Comment: This sequence change replaces alanine, which is neutral and non-polar, with threonine, which is neutral and polar, at codon 683 of the TRIM37 protein (p.Ala683Thr). This variant is present in population databases (rs571145764, gnomAD 0.01%). This variant has not been reported in the literature in individuals affected with TRIM37-related conditions. Algorithms developed to predict the effect of missense changes on protein structure and function are either unavailable or do not agree on the potential impact of this missense change (SIFT: "Not Available"; PolyPhen-2: "Benign"; Align-GVGD: "Not Available"). In summary, the available evidence is currently insufficient to determine the role of this variant in disease. Therefore, it has been classified as a Variant of Uncertain Significance.

NM_015294.6(TRIM37):c.2047G>A (p.Ala683Thr)

Gene: TRIM37 (tripartite motif containing 37; minus strand). Cytogenetic location: 17q22.
Variant type: single nucleotide variant.
Coding change: c.2047G>A on transcript NM_015294.6 (MANE Select); coding-DNA position 2047, G replaced by A.
Protein change: p.Ala683Thr; replaces alanine 683 with threonine.
Molecular consequence: missense variant. On other transcripts: non-coding transcript variant (2).
Genome position (GRCh38, 1-based): chr17:59,028,625, C>T on the plus strand (G>A on the coding strand, the complement: TRIM37 is on the minus strand). VCF-style: chr17-59028625-C-T. GRCh37 (hg19) VCF-style: chr17-57105986-C-T.
Other names: c.1945G>A, p.Ala649Thr (NM_001353082.2, NM_001320987.3); c.1312G>A, p.Ala438Thr (NM_001353083.2); c.2047G>A, p.Ala683Thr (NM_001353084.2, NM_001005207.5, NM_001320988.3 and 1 more transcripts); c.1585G>A, p.Ala529Thr (NM_001353085.2); c.1996G>A, p.Ala666Thr (NM_001353086.2); c.1681G>A, p.Ala561Thr (NM_001320990.3); c.2047G>A (NM_015294.4); short protein forms A529T, A649T, A438T, A561T, A683T, A666T.
Identifiers: ClinVar variation 2053790 (VCV002053790.6), dbSNP rs571145764, ClinGen allele CA8678145.